The following is an entry in ClinVar:

ClinVar aggregate classification (germline): Uncertain significance (1 of 4 stars; one submission).

Conditions:
Inborn genetic diseases. Identifiers: MedGen C0950123, MeSH D030342.

Submission:

Ambry Genetics
Classification: Uncertain significance for Inborn genetic diseases. Last evaluated: 2025-09-01. Review status: criteria provided, single submitter. Criteria: Ambry Variant Classification Scheme 2023. Collection method: clinical testing. Allele origin: germline.
Comment: The p.T390I variant (also known as c.1169C>T), located in coding exon 10 of the CEP57 gene, results from a C to T substitution at nucleotide position 1169. The threonine at codon 390 is replaced by isoleucine, an amino acid with similar properties. This amino acid position is conserved. In addition, this alteration is predicted to be tolerated by in silico analysis. Based on the available evidence, the clinical significance of this variant remains unclear.

NM_014679.5(CEP57):c.1169C>T (p.Thr390Ile)

Gene: CEP57 (centrosomal protein 57; plus strand). Cytogenetic location: 11q21.
Variant type: single nucleotide variant.
Coding change: c.1169C>T on transcript NM_014679.5 (MANE Select); coding-DNA position 1169, C replaced by T.
Protein change: p.Thr390Ile; replaces threonine 390 with isoleucine.
Molecular consequence: missense variant.
Genome position (GRCh38, 1-based): chr11:95,829,228, C>T. VCF-style: chr11-95829228-C-T. GRCh37 (hg19) VCF-style: chr11-95562392-C-T.
Other names: c.1091C>T, p.Thr364Ile (NM_001243777.2); c.1088C>T, p.Thr363Ile (NM_001363604.2, NM_001440869.1, NM_001440870.1); c.1061C>T, p.Thr354Ile (NM_001440871.1); c.1052C>T, p.Thr351Ile (NM_001440872.1); c.989C>T, p.Thr330Ile (NM_001440873.1); c.983C>T, p.Thr328Ile (NM_001440874.1); c.980C>T, p.Thr327Ile (NM_001440875.1); c.974C>T, p.Thr325Ile (NM_001440876.1); and 6 more; short protein forms T289I, T325I, T328I, T381I, T315I, T324I, T327I, T330I.
Identifiers: ClinVar variation 4226398 (VCV004226398.1).